The following is an entry in ClinVar:

NM_000066.4(C8B):c.1598C>G (p.Ala533Gly)

Gene: C8B (complement C8 beta chain; minus strand). Cytogenetic location: 1p32.2.
Variant type: single nucleotide variant.
Coding change: c.1598C>G on transcript NM_000066.4 (MANE Select); coding-DNA position 1598, C replaced by G.
Protein change: p.Ala533Gly; replaces alanine 533 with glycine.
Molecular consequence: missense variant.
Genome position (GRCh38, 1-based): chr1:56,931,833, G>C on the plus strand (C>G on the coding strand, the complement: C8B is on the minus strand). VCF-style: chr1-56931833-G-C. GRCh37 (hg19) VCF-style: chr1-57397506-G-C.
Other names: c.1442C>G, p.Ala481Gly (NM_001278543.2); c.1412C>G, p.Ala471Gly (NM_001278544.2); short protein forms A471G, A533G, A481G.
Identifiers: ClinVar variation 1933265 (VCV001933265.5), dbSNP rs141962576, ClinGen allele CA875590.
Genomic context (GRCh38, chr1:56,931,833, plus strand): 5'-CTGGACCTCCCCAGAGTTCCTTTTCCAATTAACTTACTCTTCCGATAGGAGACCTCACAG[G>C]CTAGGCCTTGGGATCCAACAGGACAGATGCAGTCACAGCGTGATCCTGAGAAGACAAGGC-3'
Protein context (NP_000057.3, residues 523-543): CICPVGSQGL[Ala533Gly]CEVSYRKNTP

ClinVar aggregate classification (germline): Uncertain significance (1 of 4 stars; one submission).

Allele frequency attached by ClinVar (database versions not stated): ExAC 0.00002; TOPMed 0.00002; gnomAD 0.00003; 1000 Genomes Project 30x 0.00016; 1000 Genomes Project 0.00020.
gnomAD v4.1: 6 of 1,611,856 alleles (0.00037%); highest among the groups gnomAD compares: African/African-American, 0.004%; no homozygotes.

Submission:

Labcorp Genetics (formerly Invitae), Labcorp
Classification: Uncertain significance. Last evaluated: 2022-04-15. Review status: criteria provided, single submitter. Criteria: Invitae Variant Classification Sherloc (09022015). Collection method: clinical testing. Allele origin: germline.
Comment: This variant is present in population databases (rs141962576, gnomAD 0.008%). In summary, the available evidence is currently insufficient to determine the role of this variant in disease. Therefore, it has been classified as a Variant of Uncertain Significance. Algorithms developed to predict the effect of missense changes on protein structure and function output the following: SIFT: "Tolerated"; PolyPhen-2: "Benign"; Align-GVGD: "Class C0". The glycine amino acid residue is found in multiple mammalian species, which suggests that this missense change does not adversely affect protein function. This variant has not been reported in the literature in individuals affected with C8B-related conditions. This sequence change replaces alanine, which is neutral and non-polar, with glycine, which is neutral and non-polar, at codon 533 of the C8B protein (p.Ala533Gly).